The following is an entry in ClinVar:

NM_000458.4(HNF1B):c.953A>G (p.Tyr318Cys)

Gene: HNF1B (HNF1 homeobox B; minus strand). Cytogenetic location: 17q12.
Variant type: single nucleotide variant.
Coding change: c.953A>G on transcript NM_000458.4 (MANE Select); coding-DNA position 953, A replaced by G.
Protein change: p.Tyr318Cys; replaces tyrosine 318 with cysteine.
Molecular consequence: missense variant.
Genome position (GRCh38, 1-based): chr17:37,731,687, T>C on the plus strand (A>G on the coding strand, the complement: HNF1B is on the minus strand). VCF-style: chr17-37731687-T-C. GRCh37 (hg19) VCF-style: chr17-36091678-T-C.
Other names: c.875A>G, p.Tyr292Cys (NM_001165923.4, NM_001304286.2); c.953A>G, p.Tyr318Cys (NM_001411100.1); c.953A>G (NM_000458.2); short protein forms Y292C, Y318C.
Identifiers: ClinVar variation 3067872 (VCV003067872.5), dbSNP rs752340487, ClinGen allele CA8518966.

ClinVar aggregate classification (germline): Uncertain significance. Review status: criteria provided, multiple submitters, no conflicts (2 of 4 stars). 4 submissions from 4 submitters: Uncertain significance (4). Last evaluated 2025-04-16.

Conditions:
Nonpapillary renal cell carcinoma. Identifiers: Orphanet 422526, MedGen CN074294, MONDO:0007763, OMIM 144700.
Renal cysts and diabetes syndrome (RCAD). Also called: Familial hypoplastic, glomerulocystic kidney; MATURITY-ONSET DIABETES OF THE YOUNG, TYPE 5. Identifiers: Orphanet 93111, MedGen C0431693, MONDO:0007669, OMIM 137920.
Type 2 diabetes mellitus. Also called: Type II diabetes mellitus. Identifiers: MedGen C0011860, MeSH D003924, MONDO:0005148, OMIM 125853, HP:0005978.

Allele frequency attached by ClinVar (database versions not stated): gnomAD exomes below 0.00001; ExAC 0.00001; TOPMed 0.00001; gnomAD 0.00003.
gnomAD v4.1: 7 of 1,614,038 alleles (0.00043%); highest among the groups gnomAD compares: African/African-American, 0.0027%; no homozygotes.

Submissions (4):

GeneDx
Classification: Uncertain significance. Last evaluated: 2025-04-16. Review status: criteria provided, single submitter. Criteria: GeneDx Variant Classification Process June 2021. Collection method: clinical testing. Allele origin: germline. Affected: yes.
Comment: In silico analysis supports that this missense variant has a deleterious effect on protein structure/function; Has not been previously published as pathogenic or benign to our knowledge

Genomic Medicine Center of Excellence, King Faisal Specialist Hospital and Research Centre
Classification: Uncertain significance for Renal cysts and diabetes syndrome. Last evaluated: 2024-04-04. Review status: criteria provided, single submitter. Criteria: ACMG Guidelines, 2015. Collection method: clinical testing. Allele origin: germline.

Fulgent Genetics
Classification: Uncertain significance for Type 2 diabetes mellitus; Renal cysts and diabetes syndrome; Nonpapillary renal cell carcinoma. Last evaluated: 2024-02-07. Review status: criteria provided, single submitter. Criteria: ACMG Guidelines, 2015. Collection method: clinical testing. Allele origin: germline.

Juno Genomics, Hangzhou Juno Genomics, Inc
Classification: Uncertain significance for Nonpapillary renal cell carcinoma; Renal cysts and diabetes syndrome; Type 2 diabetes mellitus. Review status: criteria provided, single submitter. Criteria: ACMG Guidelines, 2015. Collection method: clinical testing. Allele origin: germline.
Comment: Absent from controls (or at extremely low frequency if recessive) in Genome Aggregation Database.;Multiple lines of computational evidence support a deleterious effect on the gene or gene product.